The following is an entry in ClinVar:

ClinVar aggregate classification (germline): Conflicting classifications of pathogenicity. Review status: criteria provided, conflicting classifications (1 of 4 stars). 2 submissions from 2 submitters: Uncertain significance (1); Likely benign (1). Last evaluated 2022-08-31.

Conditions:
Inborn genetic diseases. Identifiers: MedGen C0950123, MeSH D030342.
Developmental and epileptic encephalopathy, 42 (DEE42A). Also called: DEVELOPMENTAL AND EPILEPTIC ENCEPHALOPATHY 42A; EPILEPTIC ENCEPHALOPATHY, EARLY INFANTILE, 42A; Epileptic encephalopathy, early infantile, 42. Identifiers: MedGen C4310716, MONDO:0014917, OMIM 617106.
Episodic ataxia type 2 (EA2). Also called: ACETAZOLAMIDE-RESPONSIVE HEREDITARY PAROXYSMAL CEREBELLAR ATAXIA; ATAXIA, EPISODIC, WITH NYSTAGMUS; ATAXIA, FAMILIAL PAROXYSMAL; CEREBELLAR ATAXIA, PAROXYSMAL, ACETAZOLAMIDE-RESPONSIVE; CEREBELLOPATHY, HEREDITARY PAROXYSMAL; EPISODIC ATAXIA, NYSTAGMUS-ASSOCIATED. Identifiers: Orphanet 97, MedGen C1720416, MONDO:0007163, OMIM 108500.

Allele frequency attached by ClinVar (database versions not stated): gnomAD 0.00003.

Submissions (2):

Labcorp Genetics (formerly Invitae), Labcorp
Classification: Uncertain significance for Developmental and epileptic encephalopathy, 42; Episodic ataxia type 2. Last evaluated: 2022-08-31. Review status: criteria provided, single submitter. Criteria: Invitae Variant Classification Sherloc (09022015). Collection method: clinical testing. Allele origin: germline.
Comment: In summary, the available evidence is currently insufficient to determine the role of this variant in disease. Therefore, it has been classified as a Variant of Uncertain Significance. Algorithms developed to predict the effect of sequence changes on RNA splicing suggest that this variant may create or strengthen a splice site. ClinVar contains an entry for this variant (Variation ID: 588000). This variant has not been reported in the literature in individuals affected with CACNA1A-related conditions. This variant is present in population databases (no rsID available, gnomAD 0.007%). This sequence change affects codon 2224 of the CACNA1A mRNA. It is a 'silent' change, meaning that it does not change the encoded amino acid sequence of the CACNA1A protein.

Ambry Genetics
Classification: Likely benign for Inborn genetic diseases. Last evaluated: 2016-07-06. Review status: criteria provided, single submitter. Criteria: Ambry Variant Classification Scheme 2023. Collection method: clinical testing. Allele origin: germline.

NM_001127222.2(CACNA1A):c.6669C>A (p.Pro2223=)

Gene: CACNA1A (calcium voltage-gated channel subunit alpha1 A; minus strand). Cytogenetic location: 19p13.13.
Variant type: single nucleotide variant.
Coding change: c.6669C>A on transcript NM_001127222.2 (MANE Select); coding-DNA position 6669, C replaced by A.
Protein change: p.Pro2223=; no amino-acid change (proline 2223 retained).
Molecular consequence: synonymous variant.
Genome position (GRCh38, 1-based): chr19:13,208,867, G>T on the plus strand (C>A on the coding strand, the complement: CACNA1A is on the minus strand). VCF-style: chr19-13208867-G-T. GRCh37 (hg19) VCF-style: chr19-13319681-G-T.
Other names: c.6687C>A, p.Pro2229= (NM_000068.4, NM_023035.3); c.6672C>A, p.Pro2224= (NM_001127221.2); c.6678C>A, p.Pro2226= (NM_001174080.2).
Identifiers: ClinVar variation 588000 (VCV000588000.10), dbSNP rs2304094, ClinGen allele CA305547440.